The following is an entry in ClinVar:

ClinVar aggregate classification (germline): Likely benign (0 of 4 stars; one submission).

Conditions:
CELSR1-related disorder. Also called: CELSR1-related condition.

Allele frequency attached by ClinVar (database versions not stated): gnomAD 0.00021; 1000 Genomes Project 30x 0.00031; TOPMed 0.00032; 1000 Genomes Project 0.00040.
gnomAD v4.1: 65 of 1,612,494 alleles (0.004%); highest among the groups gnomAD compares: African/African-American, 0.073%; no homozygotes.

Submission:

PreventionGenetics, part of Exact Sciences
Classification: Likely benign for CELSR1-related condition. Last evaluated: 2019-11-12. Review status: no assertion criteria provided. Collection method: clinical testing. Allele origin: germline.
Comment: This variant is classified as likely benign based on ACMG/AMP sequence variant interpretation guidelines (Richards et al. 2015 PMID: 25741868, with internal and published modifications).

NM_001378328.1(CELSR1):c.7760-4T>G

Gene: CELSR1 (cadherin EGF LAG seven-pass G-type receptor 1; minus strand). Cytogenetic location: 22q13.31.
Variant type: single nucleotide variant.
Coding change: c.7760-4T>G on transcript NM_001378328.1 (MANE Select); 4 bases into the intron before coding-DNA position 7760, T replaced by G.
Molecular consequence: intron variant.
Genome position (GRCh38, 1-based): chr22:46,369,808, A>C on the plus strand (T>G on the coding strand, the complement: CELSR1 is on the minus strand). VCF-style: chr22-46369808-A-C. GRCh37 (hg19) VCF-style: chr22-46765705-A-C.
Other names: c.7760-4T>G (NM_014246.4).
Identifiers: ClinVar variation 3045331 (VCV003045331.2), dbSNP rs535507325, ClinGen allele CA10293188.
Genomic context (GRCh38, chr22:46,369,808, plus strand): 5'-ACAGCCAGCAGAAGTCGGGGTTCCCGTAGCCCTGGGGGTCCAGGCCGACCGCCAGTCCTG[A>C]ACACAGCGGGGAGGAAGGGAAGGGTGAGGGCCACGTGCCCAGTGGCCACCCCATGCCAAG-3'